The following is an entry in ClinVar:

ClinVar aggregate classification (germline): Uncertain significance (1 of 4 stars; one submission).

Conditions:
Thrombophilia, X-linked, due to factor 9 defect. Identifiers: MedGen C2749016, MONDO:0010432, OMIM 300807.
Hereditary factor IX deficiency disease (HEMB). Also called: Christmas Disease; F9 DEFICIENCY; FACTOR IX DEFICIENCY; PLASMA THROMBOPLASTIN COMPONENT DEFICIENCY; Hemophilia B. Identifiers: Orphanet 98879, MedGen C0008533, MeSH D002836, MONDO:0010604, OMIM 306900.

Submission:

Labcorp Genetics (formerly Invitae), Labcorp
Classification: Uncertain significance for Thrombophilia, X-linked, due to factor 9 defect; Hereditary factor IX deficiency disease. Last evaluated: 2024-03-29. Review status: criteria provided, single submitter. Criteria: Invitae Variant Classification Sherloc (09022015). Collection method: clinical testing. Allele origin: germline.
Comment: This sequence change replaces tyrosine, which is neutral and polar, with cysteine, which is neutral and slightly polar, at codon 371 of the F9 protein (p.Tyr371Cys). This variant is not present in population databases (gnomAD no frequency). This missense change has been observed in individual(s) with hemophilia B (Invitate). Advanced modeling of protein sequence and biophysical properties (such as structural, functional, and spatial information, amino acid conservation, physicochemical variation, residue mobility, and thermodynamic stability) performed at Invitae indicates that this missense variant is not expected to disrupt F9 protein function with a negative predictive value of 80%. This variant disrupts the p.Tyr371 amino acid residue in F9. Other variant(s) that disrupt this residue have been observed in individuals with F9-related conditions (PMID: 26964564), which suggests that this may be a clinically significant amino acid residue. In summary, the available evidence is currently insufficient to determine the role of this variant in disease. Therefore, it has been classified as a Variant of Uncertain Significance.

Literature cited by the submitters: PubMed 26964564.

NM_000133.4(F9):c.1112A>G (p.Tyr371Cys)

Gene: F9 (coagulation factor IX; plus strand). Cytogenetic location: Xq27.1.
Variant type: single nucleotide variant.
Coding change: c.1112A>G on transcript NM_000133.4 (MANE Select); coding-DNA position 1112, A replaced by G.
Protein change: p.Tyr371Cys; replaces tyrosine 371 with cysteine.
Molecular consequence: missense variant.
Genome position (GRCh38, 1-based): chrX:139,561,797, A>G. VCF-style: chrX-139561797-A-G. GRCh37 (hg19) VCF-style: chrX-138643956-A-G.
Other names: c.998A>G, p.Tyr333Cys (NM_001313913.2); short protein forms Y333C, Y371C.
Identifiers: ClinVar variation 3760512 (VCV003760512.2).